The following is an entry in ClinVar:

ClinVar aggregate classification (germline): Uncertain significance. Review status: criteria provided, multiple submitters, no conflicts (2 of 4 stars). 4 submissions from 4 submitters: Uncertain significance (4). Last evaluated 2025-07-10.

Conditions:
Inborn genetic diseases. Identifiers: MedGen C0950123, MeSH D030342.
TCOF1-related disorder. Also called: TCOF1-related condition.
Treacher Collins syndrome 1 (TCS1). Also called: TCOF1-Related Treacher Collins Syndrome. Identifiers: Orphanet 861, MedGen CN315775, MONDO:0007944, OMIM 154500.

gnomAD v4.1: 73 of 1,611,776 alleles (0.0045%); highest among the groups gnomAD compares: Non-Finnish European, 0.0059%; no homozygotes.

Submissions (4):

Labcorp Genetics (formerly Invitae), Labcorp
Classification: Uncertain significance for Treacher Collins syndrome 1. Last evaluated: 2025-07-10. Review status: criteria provided, single submitter. Criteria: Invitae Variant Classification Sherloc (09022015). Collection method: clinical testing. Allele origin: germline.
Comment: This sequence change replaces alanine, which is neutral and non-polar, with valine, which is neutral and non-polar, at codon 403 of the TCOF1 protein (p.Ala403Val). The frequency data for this variant in the population databases is considered unreliable, as metrics indicate poor data quality at this position in the gnomAD database. This variant has not been reported in the literature in individuals affected with TCOF1-related conditions. ClinVar contains an entry for this variant (Variation ID: 1438554). Invitae Evidence Modeling of protein sequence and biophysical properties (such as structural, functional, and spatial information, amino acid conservation, physicochemical variation, residue mobility, and thermodynamic stability) indicates that this missense variant is not expected to disrupt TCOF1 protein function with a negative predictive value of 80%. In summary, the available evidence is currently insufficient to determine the role of this variant in disease. Therefore, it has been classified as a Variant of Uncertain Significance.

PreventionGenetics, part of Exact Sciences
Classification: Uncertain significance for TCOF1-related condition. Last evaluated: 2025-03-24. Review status: criteria provided, single submitter. Criteria: ACMG Guidelines, 2015. Collection method: clinical testing. Allele origin: germline.
Comment: The TCOF1 c.1208C>T variant is predicted to result in the amino acid substitution p.Ala403Val. To our knowledge, this variant has not been reported in the literature. This variant is reported in 0.0031% of alleles in individuals of European (Non-Finnish) descent in gnomAD. At this time, the clinical significance of this variant is uncertain due to the absence of conclusive functional and genetic evidence.

Ambry Genetics
Classification: Uncertain significance for Inborn genetic diseases. Last evaluated: 2024-05-30. Review status: criteria provided, single submitter. Criteria: Ambry Variant Classification Scheme 2023. Collection method: clinical testing. Allele origin: germline.

GeneDx
Classification: Uncertain significance. Last evaluated: 2022-06-30. Review status: criteria provided, single submitter. Criteria: GeneDx Variant Classification Process June 2021. Collection method: clinical testing. Allele origin: germline. Affected: yes.
Comment: In silico analysis supports that this missense variant does not alter protein structure/function; Has not been previously published as pathogenic or benign to our knowledge

NM_001371623.1(TCOF1):c.1208C>T (p.Ala403Val)

Gene: TCOF1 (treacle ribosome biogenesis factor 1; plus strand). Cytogenetic location: 5q32.
Variant type: single nucleotide variant.
Coding change: c.1208C>T on transcript NM_001371623.1 (MANE Select); coding-DNA position 1208, C replaced by T.
Protein change: p.Ala403Val; replaces alanine 403 with valine.
Molecular consequence: missense variant.
Genome position (GRCh38, 1-based): chr5:150,374,741, C>T. VCF-style: chr5-150374741-C-T. GRCh37 (hg19) VCF-style: chr5-149754304-C-T.
Other names: c.977C>T, p.Ala326Val (NM_000356.4, NM_001135245.2); c.1208C>T, p.Ala403Val (NM_001008657.3, NM_001135243.2, NM_001135244.2 and 1 more transcripts); short protein forms A326V, A403V.
Identifiers: ClinVar variation 1438554 (VCV001438554.11), dbSNP rs773162787, ClinGen allele CA3510788.
Genomic context (GRCh38, chr5:150,374,741, plus strand): 5'-GGAAAGGAGCTGCCCCAGCGCCCCCTGGGAAGACAGGGCCTGCAGTTGCCAAGGCCCAGG[C>T]GGGGAAGCGGGAGGAGGACTCGCAGAGCAGCAGCGAGGAATCGGACAGTGAGGAGGAGGC-3'
Protein context (NP_001358552.1, residues 393-413): KTGPAVAKAQ[Ala403Val]GKREEDSQSS